The following is an entry in ClinVar:

ClinVar aggregate classification (germline): Uncertain significance (1 of 4 stars; one submission).

Submission:

GeneDx
Classification: Uncertain significance. Last evaluated: 2022-06-28. Review status: criteria provided, single submitter. Criteria: GeneDx Variant Classification Process June 2021. Collection method: clinical testing. Allele origin: germline. Affected: yes.
Comment: Not observed at significant frequency in large population cohorts (gnomAD); In silico analysis supports that this missense variant does not alter protein structure/function; Has not been previously published as pathogenic or benign to our knowledge

NM_001379110.1(SLC9A6):c.586T>C (p.Tyr196His)

Gene: SLC9A6 (solute carrier family 9 member A6; plus strand). Cytogenetic location: Xq26.3.
Variant type: single nucleotide variant.
Coding change: c.586T>C on transcript NM_001379110.1 (MANE Select); coding-DNA position 586, T replaced by C.
Protein change: p.Tyr196His; replaces tyrosine 196 with histidine.
Molecular consequence: missense variant.
Genome position (GRCh38, 1-based): chrX:135,998,917, T>C. VCF-style: chrX-135998917-T-C. GRCh37 (hg19) VCF-style: chrX-135081076-T-C.
Other names: c.742T>C, p.Tyr248His (NM_001042537.2); c.586T>C, p.Tyr196His (NM_001177651.2, NM_001400909.1, NM_001400910.1 and 2 more transcripts); c.490T>C, p.Tyr164His (NM_001330652.2, NM_001400913.1); c.646T>C, p.Tyr216His (NM_006359.3); short protein forms Y164H, Y196H, Y216H, Y248H.
Identifiers: ClinVar variation 1809932 (VCV001809932.1), dbSNP rs2521189030, ClinGen allele CA414750194.